The following is an entry in ClinVar:

NM_000186.4(CFH):c.493G>T (p.Asp165Tyr)

Gene: CFH (complement factor H; plus strand). Cytogenetic location: 1q31.3.
Variant type: single nucleotide variant.
Coding change: c.493G>T on transcript NM_000186.4 (MANE Select); coding-DNA position 493, G replaced by T.
Protein change: p.Asp165Tyr; replaces aspartic acid 165 with tyrosine.
Molecular consequence: missense variant.
Genome position (GRCh38, 1-based): chr1:196,677,541, G>T. VCF-style: chr1-196677541-G-T. GRCh37 (hg19) VCF-style: chr1-196646671-G-T.
Other names: c.493G>T, p.Asp165Tyr (NM_001014975.3); short protein forms D165Y.
Identifiers: ClinVar variation 2915355 (VCV002915355.4), dbSNP rs1279011591, ClinGen allele CA343977108.

ClinVar aggregate classification (germline): Uncertain significance. Review status: criteria provided, multiple submitters, no conflicts (2 of 4 stars). 2 submissions from 2 submitters: Uncertain significance (2). Last evaluated 2025-10-02.

Conditions:
Atypical hemolytic-uremic syndrome. Identifiers: Orphanet 2134, MedGen C2931788, MONDO:0016244.

Allele frequency attached by ClinVar (database versions not stated): gnomAD exomes below 0.00001; TOPMed below 0.00001.
gnomAD v4.1: 10 of 1,613,122 alleles (0.00062%); highest among the groups gnomAD compares: African/African-American, 0.0013%; no homozygotes.

Submissions (2):

Genomenon, Inc
Classification: Uncertain significance for Atypical hemolytic-uremic syndrome. Last evaluated: 2025-10-02. Review status: criteria provided, single submitter. Criteria: Genomenon Sequence Variant Interpretation Standards - Updated. Collection method: curation. Allele origin: germline. Affected: yes.
Comment: CFH p.Asp165Tyr (c.493G>T) is a missense variant that changes the amino acid at residue 165 from Aspartic acid to Tyrosine. This variant has been observed in at least one proband affected with atypical hemolytic-uremic syndrome (PMID:30046676). It is absent or not present at a significant frequency in gnomAD. In silico models agree that this variant is not damaging. In conclusion, we classify CFH p.Asp165Tyr (c.493G>T) as a variant of uncertain significance.

Labcorp Genetics (formerly Invitae), Labcorp
Classification: Uncertain significance. Last evaluated: 2025-02-17. Review status: criteria provided, single submitter. Criteria: Invitae Variant Classification Sherloc (09022015). Collection method: clinical testing. Allele origin: germline.
Comment: This sequence change replaces aspartic acid, which is acidic and polar, with tyrosine, which is neutral and polar, at codon 165 of the CFH protein (p.Asp165Tyr). This variant is present in population databases (no rsID available, gnomAD 0.004%). This missense change has been observed in individual(s) with clinical features of hemolytic uremic syndrome (PMID: 30046676). ClinVar contains an entry for this variant (Variation ID: 2915355). An algorithm developed to predict the effect of missense changes on protein structure and function (PolyPhen-2) suggests that this variant is likely to be disruptive. In summary, the available evidence is currently insufficient to determine the role of this variant in disease. Therefore, it has been classified as a Variant of Uncertain Significance.

Literature cited by the submitters: PubMed 30046676 (cited by Genomenon, Inc and Labcorp Genetics (formerly Invitae), Labcorp).